The following is an entry in ClinVar:

ClinVar aggregate classification (germline): Uncertain significance (1 of 4 stars; one submission).

Conditions:
Duchenne muscular dystrophy (DMD). Also called: MUSCULAR DYSTROPHY, PSEUDOHYPERTROPHIC PROGRESSIVE, DUCHENNE TYPE; Duchenne Muscular Dystrophy (DMD). Identifiers: Orphanet 98896, MedGen C0013264, MONDO:0010679, OMIM 310200.

Submission:

Labcorp Genetics (formerly Invitae), Labcorp
Classification: Uncertain significance for Duchenne muscular dystrophy. Last evaluated: 2021-09-02. Review status: criteria provided, single submitter. Criteria: Invitae Variant Classification Sherloc (09022015). Collection method: clinical testing. Allele origin: germline.
Comment: This sequence change replaces isoleucine with leucine at codon 127 of the DMD protein (p.Ile127Leu). The isoleucine residue is highly conserved and there is a small physicochemical difference between isoleucine and leucine. This variant is not present in population databases (ExAC no frequency). This variant has not been reported in the literature in individuals affected with DMD-related conditions. Algorithms developed to predict the effect of missense changes on protein structure and function are either unavailable or do not agree on the potential impact of this missense change (SIFT: "Deleterious"; PolyPhen-2: "Benign"; Align-GVGD: "Class C0"). In summary, the available evidence is currently insufficient to determine the role of this variant in disease. Therefore, it has been classified as a Variant of Uncertain Significance.

NM_004006.3(DMD):c.379A>C (p.Ile127Leu)

Gene: DMD (dystrophin; minus strand). Cytogenetic location: Xp21.1.
Variant type: single nucleotide variant.
Coding change: c.379A>C on transcript NM_004006.3 (MANE Select); coding-DNA position 379, A replaced by C.
Protein change: p.Ile127Leu; replaces isoleucine 127 with leucine.
Molecular consequence: missense variant.
Genome position (GRCh38, 1-based): chrX:32,816,619, T>G on the plus strand (A>C on the coding strand, the complement: DMD is on the minus strand). VCF-style: chrX-32816619-T-G. GRCh37 (hg19) VCF-style: chrX-32834736-T-G.
Other names: c.355A>C, p.Ile119Leu (NM_000109.4); c.367A>C, p.Ile123Leu (NM_004009.3); c.10A>C, p.Ile4Leu (NM_004010.3); short protein forms I119L, I127L, I123L, I4L.
Identifiers: ClinVar variation 1414625 (VCV001414625.5), dbSNP rs748643562, ClinGen allele CA412674346.